The following is an entry in ClinVar:

NM_001267727.2(ARSG):c.218+1G>A

Gene: ARSG (arylsulfatase G; plus strand). Cytogenetic location: 17q24.2.
Variant type: single nucleotide variant.
Coding change: c.218+1G>A on transcript NM_001267727.2 (MANE Select); the canonical splice donor site of the intron after coding-DNA position 218, G replaced by A.
Molecular consequence: splice donor variant.
Genome position (GRCh38, 1-based): chr17:68,307,712, G>A. VCF-style: chr17-68307712-G-A. GRCh37 (hg19) VCF-style: chr17-66303853-G-A.
Other names: c.218+1G>A (NM_001352904.2, NM_014960.5, NM_001352903.2 and 9 more transcripts).
Identifiers: ClinVar variation 1476952 (VCV001476952.8), dbSNP rs947108148, ClinGen allele CA293281970.
Genomic context (GRCh38, chr17:68,307,712, plus strand): 5'-AAACTGGGCAGAAACAAAGGACACTGCCAACCTTGATAAGATGGCTTCGGAGGGAATGAG[G>A]TGAGTCTTGAGATGCCAGGCCAGCCTTTCTTTGGATGTCTTACTCCCGTTCTTGAGAGGG-3'

ClinVar aggregate classification (germline): Likely pathogenic (1 of 4 stars; one submission).

Allele frequency attached by ClinVar (database versions not stated): 1000 Genomes Project 30x 0.00016.

Submission:

Labcorp Genetics (formerly Invitae), Labcorp
Classification: Likely pathogenic. Last evaluated: 2023-07-21. Review status: criteria provided, single submitter. Criteria: Invitae Variant Classification Sherloc (09022015). Collection method: clinical testing. Allele origin: germline.
Comment: This sequence change affects a donor splice site in intron 2 of the ARSG gene. It is expected to disrupt RNA splicing. Variants that disrupt the donor or acceptor splice site typically lead to a loss of protein function (PMID: 16199547), and loss-of-function variants in ARSG are known to be pathogenic (PMID: 26975023, 34223797). This variant is not present in population databases (gnomAD no frequency). This variant has not been reported in the literature in individuals affected with ARSG-related conditions. ClinVar contains an entry for this variant (Variation ID: 1476952). Algorithms developed to predict the effect of sequence changes on RNA splicing suggest that this variant may disrupt the consensus splice site. In summary, the currently available evidence indicates that the variant is pathogenic, but additional data are needed to prove that conclusively. Therefore, this variant has been classified as Likely Pathogenic.

Literature cited by the submitters: PubMed 16199547; PubMed 26975023; PubMed 34223797.